The following is an entry in ClinVar:

ClinVar aggregate classification (germline): Uncertain significance (1 of 4 stars; one submission).

Conditions:
Hereditary cancer-predisposing syndrome. Also called: Neoplastic Syndromes, Hereditary; Tumor predisposition; Hereditary neoplastic syndrome; Hereditary Cancer Syndrome. Identifiers: Orphanet 140162, MedGen C0027672, MeSH D009386, MONDO:0015356.

Submission:

Ambry Genetics
Classification: Uncertain significance for Hereditary cancer-predisposing syndrome. Last evaluated: 2024-06-19. Review status: criteria provided, single submitter. Criteria: Ambry Variant Classification Scheme 2023. Collection method: clinical testing. Allele origin: germline.
Comment: The c.2041+4A>T intronic variant results from an A to T substitution 4 nucleotides after coding exon 14 in the TSC1 gene. This nucleotide position is highly conserved in available vertebrate species. In silico splice site analysis predicts that this alteration will not have any significant effect on splicing. Based on the available evidence, the clinical significance of this variant remains unclear.

NM_000368.5(TSC1):c.2041+4A>T

Gene: TSC1 (TSC complex subunit 1; minus strand). Cytogenetic location: 9q34.13.
Variant type: single nucleotide variant.
Coding change: c.2041+4A>T on transcript NM_000368.5 (MANE Select); 4 bases into the intron after coding-DNA position 2041, A replaced by T.
Molecular consequence: intron variant.
Genome position (GRCh38, 1-based): chr9:132,904,407, T>A on the plus strand (A>T on the coding strand, the complement: TSC1 is on the minus strand). VCF-style: chr9-132904407-T-A. GRCh37 (hg19) VCF-style: chr9-135779794-T-A.
Other names: c.1675+4A>T (NM_001406620.1, NM_001406625.1, NM_001406621.1 and 2 more transcripts); c.1678+4A>T (NM_001406618.1, NM_001406617.1, NM_001406619.1 and 5 more transcripts); c.1885+4A>T (NM_001406613.1, NM_001406612.1, NM_001406611.1); c.1888+4A>T (NM_001406610.1, NM_001162427.2); c.1087+4A>T (NM_001406627.1, NM_001406628.1); c.988+4A>T (NM_001406629.1, NM_001406630.1); c.2038+4A>T (NM_001406603.1, NM_001406609.1, NM_001406597.1 and 6 more transcripts); c.2041+4A>T (NM_001406602.1, NM_001406606.1, NM_001406592.1 and 7 more transcripts); and 1 more.
Identifiers: ClinVar variation 3329447 (VCV003329447.1).
Genomic context (GRCh38, chr9:132,904,407, plus strand): 5'-AGAAAGGGCAACAAGCAAGCAGGAACCATGTGGGCTGGATTTGGAGCTAAAGTAACAACT[T>A]TACCTCCAAAGTGGGTCCAGTCGACAGACTTGCTGGGTAAAGGCAACCTAGGAAGAAAGT-3'